The following is an entry in ClinVar:

ClinVar aggregate classification (germline): Uncertain significance (1 of 4 stars; one submission).

Conditions:
Lymphatic malformation 6 (LMPHM6). Also called: GENERALIZED LYMPHATIC DYSPLASIA OF FOTIOU; Lymphedema, hereditary, III; PIEZO1-related generalized lymphatic dysplasia with non-immune hydrops fetalis. Identifiers: Orphanet 568062, MedGen C4225184, MONDO:0014797, OMIM 616843.

gnomAD v4.1: 5 of 1,549,762 alleles (0.00032%); highest among the groups gnomAD compares: Non-Finnish European, 0.00044%; no homozygotes.

Submission:

Clinical Genomics Laboratory, Washington University in St. Louis
Classification: Uncertain significance for Lymphatic malformation 6. Last evaluated: 2025-11-07. Review status: criteria provided, single submitter. Criteria: ACMG Guidelines, 2015. Collection method: clinical testing. Allele origin: germline. Affected: yes.
Comment: A PIEZO1 c.6988C>G (p.Pro2330Ala) variant was identified at a near heterozygous allelic fraction of 46.6%, a frequency which may be consistent with it being of germline origin. The PIEZO1 c.6988C>G (p.Pro2330Ala) variant, to our knowledge, has not been reported in the medical literature. This variant is only observed in 5/1,549,762 alleles in the general population (gnomAD v4.1.0), indicating it is not a common variant. Computational predictors are uncertain as to the impact of this variant on PIEZO1 function. Due to limited information, and based on ACMG/AMP guidelines for variant interpretation (Richards S et al., PMID: 25741868), the clinical significance of this variant is uncertain at this time.

NM_001142864.4(PIEZO1):c.6988C>G (p.Pro2330Ala)

Gene: PIEZO1 (piezo type mechanosensitive ion channel component 1 (Er blood group); minus strand). Cytogenetic location: 16q24.3.
Variant type: single nucleotide variant.
Coding change: c.6988C>G on transcript NM_001142864.4 (MANE Select); coding-DNA position 6988, C replaced by G.
Protein change: p.Pro2330Ala; replaces proline 2330 with alanine.
Molecular consequence: missense variant.
Genome position (GRCh38, 1-based): chr16:88,716,422, G>C on the plus strand (C>G on the coding strand, the complement: PIEZO1 is on the minus strand). VCF-style: chr16-88716422-G-C. GRCh37 (hg19) VCF-style: chr16-88782830-G-C.
Other names: short protein forms P2330A.
Identifiers: ClinVar variation 4974672 (VCV004974672.1).
Genomic context (GRCh38, chr16:88,716,422, plus strand): 5'-CAGACTGGTCCGAGGTGCCCTCGAGCAGGCTGGCCAGCTGCCGCCGTGCAGTGCTGTTGG[G>C]GGCCAGGGCCAGCATGTGCTTCTCGTTGGCATACTCCACAGTGCCTCCCTTCGCCAGGTC-3'
Protein context (NP_001136336.2, residues 2320-2340): ANEKHMLALA[Pro2330Ala]NSTARRQLAS